The following is an entry in ClinVar:

NM_012082.4(ZFPM2):c.322A>G (p.Lys108Glu)

Gene: ZFPM2 (zinc finger protein, FOG family member 2; plus strand). Cytogenetic location: 8q23.1.
Variant type: single nucleotide variant.
Coding change: c.322A>G on transcript NM_012082.4 (MANE Select); coding-DNA position 322, A replaced by G.
Protein change: p.Lys108Glu; replaces lysine 108 with glutamic acid.
Molecular consequence: missense variant. On other transcripts: 5 prime UTR variant (1).
Genome position (GRCh38, 1-based): chr8:105,561,383, A>G. VCF-style: chr8-105561383-A-G. GRCh37 (hg19) VCF-style: chr8-106573611-A-G.
Other names: c.163A>G, p.Lys55Glu (NM_001362836.2); c.-75A>G (NM_001362837.2); c.322A>G (NM_012082.3); short protein forms K55E, K108E.
Identifiers: ClinVar variation 1474338 (VCV001474338.9), dbSNP rs1815131947, ClinGen allele CA372026276.

ClinVar aggregate classification (germline): Uncertain significance. Review status: criteria provided, multiple submitters, no conflicts (2 of 4 stars). 2 submissions from 2 submitters: Uncertain significance (2). Last evaluated 2023-03-20.

Conditions:
Inborn genetic diseases. Identifiers: MedGen C0950123, MeSH D030342.
46,XY sex reversal 9 (SRXY9). Also called: 46,XY SEX REVERSAL, ZFPM2-RELATED. Identifiers: Orphanet 251510, MedGen C4015129, MONDO:0014480, OMIM 616067.

Allele frequency attached by ClinVar (database versions not stated): gnomAD exomes below 0.00001; TOPMed below 0.00001.
gnomAD v4.1: 2 of 1,613,552 alleles (0.00012%); highest among the groups gnomAD compares: African/African-American, 0.0013%; no homozygotes.

Submissions (2):

Ambry Genetics
Classification: Uncertain significance for Inborn genetic diseases. Last evaluated: 2023-03-20. Review status: criteria provided, single submitter. Criteria: Ambry Variant Classification Scheme 2023. Collection method: clinical testing. Allele origin: germline.

Labcorp Genetics (formerly Invitae), Labcorp
Classification: Uncertain significance for 46,XY sex reversal 9. Last evaluated: 2021-03-09. Review status: criteria provided, single submitter. Criteria: Invitae Variant Classification Sherloc (09022015). Collection method: clinical testing. Allele origin: germline.
Comment: This variant has not been reported in the literature in individuals with ZFPM2-related conditions. Algorithms developed to predict the effect of missense changes on protein structure and function (SIFT, PolyPhen-2, Align-GVGD) all suggest that this variant is likely to be tolerated, but these predictions have not been confirmed by published functional studies and their clinical significance is uncertain. In summary, the available evidence is currently insufficient to determine the role of this variant in disease. Therefore, it has been classified as a Variant of Uncertain Significance. This sequence change replaces lysine with glutamic acid at codon 108 of the ZFPM2 protein (p.Lys108Glu). The lysine residue is weakly conserved and there is a small physicochemical difference between lysine and glutamic acid. This variant is not present in population databases (ExAC no frequency).